The following is an entry in ClinVar:

NM_003086.4(SNAPC4):c.45G>A (p.Lys15=)

Genes: SNAPC4 (small nuclear RNA activating complex polypeptide 4; minus strand), LOC126860791 (CDK7 strongly-dependent group 2 enhancer GRCh37_chr9:139291906-139293105; plus strand). Cytogenetic location: 9q34.3.
Variant type: single nucleotide variant.
Coding change: c.45G>A on transcript NM_003086.4 (MANE Select); coding-DNA position 45, G replaced by A.
Protein change: p.Lys15=; no amino-acid change (lysine 15 retained).
Molecular consequence: synonymous variant.
Genome position (GRCh38, 1-based): chr9:136,398,384, C>T on the plus strand (G>A on the coding strand, the complement: SNAPC4 is on the minus strand). VCF-style: chr9-136398384-C-T. GRCh37 (hg19) VCF-style: chr9-139292836-C-T.
Other names: c.45G>A, p.Lys15= (NM_001394201.1, NM_001394202.1, NM_001394203.1).
Identifiers: ClinVar variation 2659734 (VCV002659734.24), dbSNP rs1282741990, ClinGen allele CA467714910.

ClinVar aggregate classification (germline): Likely benign (1 of 4 stars; one submission).

Allele frequency attached by ClinVar (database versions not stated): gnomAD exomes below 0.00001; TOPMed below 0.00001; gnomAD 0.00001.
gnomAD v4.1: 7 of 1,613,886 alleles (0.00043%); highest among the groups gnomAD compares: Middle Eastern, 0.016%; no homozygotes.

Submission:

CeGaT Center for Human Genetics Tuebingen
Classification: Likely benign. Last evaluated: 2022-07-01. Review status: criteria provided, single submitter. Criteria: CeGaT Center For Human Genetics Tuebingen Variant Classification Criteria Version 2. Collection method: clinical testing. Allele origin: germline. Affected: yes. Observed: 1 variant allele.
Comment: SNAPC4: BP4, BP7